The following is an entry in ClinVar:

NM_025257.3(SLC44A4):c.133A>G (p.Ile45Val)

Gene: SLC44A4 (solute carrier family 44 member 4; minus strand). Cytogenetic location: 6p21.33.
Variant type: single nucleotide variant.
Coding change: c.133A>G on transcript NM_025257.3 (MANE Select); coding-DNA position 133, A replaced by G.
Protein change: p.Ile45Val; replaces isoleucine 45 with valine.
Molecular consequence: missense variant. On other transcripts: 5 prime UTR variant (1).
Genome position (GRCh38, 1-based): chr6:31,876,086, T>C on the plus strand (A>G on the coding strand, the complement: SLC44A4 is on the minus strand). VCF-style: chr6-31876086-T-C. GRCh37 (hg19) VCF-style: chr6-31843863-T-C.
Other names: c.133A>G, p.Ile45Val (NM_001178044.2, NM_032794.1); c.-96A>G (NM_001178045.2); short protein forms I45V.
Identifiers: ClinVar variation 2468672 (VCV002468672.5), dbSNP rs140615353, ClinGen allele CA3725812.

ClinVar aggregate classification (germline): Uncertain significance. Review status: criteria provided, multiple submitters, no conflicts (2 of 4 stars). 2 submissions from 2 submitters: Uncertain significance (2). Last evaluated 2023-12-11.

Allele frequency attached by ClinVar (database versions not stated): gnomAD 0.00001; gnomAD exomes 0.00001; TOPMed 0.00002; ExAC 0.00003; ESP Exome Variant Server 0.00008.
gnomAD v4.1: 16 of 1,613,634 alleles (0.00099%); highest among the groups gnomAD compares: Non-Finnish European, 0.0012%; no homozygotes.

Submissions (2):

Labcorp Genetics (formerly Invitae), Labcorp
Classification: Uncertain significance. Last evaluated: 2023-12-11. Review status: criteria provided, single submitter. Criteria: Invitae Variant Classification Sherloc (09022015). Collection method: clinical testing. Allele origin: germline.
Comment: This sequence change replaces isoleucine, which is neutral and non-polar, with valine, which is neutral and non-polar, at codon 45 of the SLC44A4 protein (p.Ile45Val). This variant is present in population databases (rs140615353, gnomAD 0.006%). This variant has not been reported in the literature in individuals affected with SLC44A4-related conditions. ClinVar contains an entry for this variant (Variation ID: 2468672). Advanced modeling of protein sequence and biophysical properties (such as structural, functional, and spatial information, amino acid conservation, physicochemical variation, residue mobility, and thermodynamic stability) performed at Invitae indicates that this missense variant is not expected to disrupt SLC44A4 protein function with a negative predictive value of 80%. In summary, the available evidence is currently insufficient to determine the role of this variant in disease. Therefore, it has been classified as a Variant of Uncertain Significance.

Ambry Genetics
Classification: Uncertain significance. Last evaluated: 2023-02-14. Review status: criteria provided, single submitter. Criteria: Ambry Variant Classification Scheme 2023. Collection method: clinical testing. Allele origin: germline.